The following is an entry in ClinVar:

NM_014476.6(PDLIM3):c.530A>C (p.Glu177Ala)

Gene: PDLIM3 (PDZ and LIM domain 3; minus strand). Cytogenetic location: 4q35.1.
Variant type: single nucleotide variant.
Coding change: c.530A>C on transcript NM_014476.6 (MANE Select); coding-DNA position 530, A replaced by C.
Protein change: p.Glu177Ala; replaces glutamic acid 177 with alanine.
Molecular consequence: missense variant. On other transcripts: intron variant (3).
Genome position (GRCh38, 1-based): chr4:185,508,431, T>G on the plus strand (A>C on the coding strand, the complement: PDLIM3 is on the minus strand). VCF-style: chr4-185508431-T-G. GRCh37 (hg19) VCF-style: chr4-186429585-T-G.
Other names: c.162-1779A>C (NM_001257963.2); c.399-1779A>C (NM_001257962.2); c.519-1779A>C (NM_001114107.5); short protein forms E177A.
Identifiers: ClinVar variation 405204 (VCV000405204.12), dbSNP rs138115202, ClinGen allele CA3159762.

ClinVar aggregate classification (germline): Uncertain significance. Review status: criteria provided, multiple submitters, no conflicts (2 of 4 stars). 2 submissions from 2 submitters: Uncertain significance (2). Last evaluated 2025-11-18.

Conditions:
Hypertrophic cardiomyopathy. Also called: HYPERTROPHIC MYOCARDIOPATHY. Identifiers: Orphanet 217569, MedGen C0007194, MeSH D002312, MONDO:0005045, HP:0001639.
Primary dilated cardiomyopathy (DCM). Also called: Dilated Cardiomyopathy. Identifiers: Orphanet 217604, MedGen C0007193, MeSH D002311, MONDO:0005021, HP:0001644. Inheritance: Various modes of inheritance.

Allele frequency attached by ClinVar (database versions not stated): gnomAD exomes 0.00002 and 0.00004; gnomAD 0.00005; TOPMed 0.00006; ExAC 0.00003; ESP Exome Variant Server 0.00015.
gnomAD v4.1: 41 of 1,614,058 alleles (0.0025%); highest among the groups gnomAD compares: African/African-American, 0.012%; no homozygotes.

Submissions (2):

Ambry Genetics
Classification: Uncertain significance. Last evaluated: 2025-11-18. Review status: criteria provided, single submitter. Criteria: Ambry Variant Classification Scheme 2023. Collection method: clinical testing. Allele origin: germline.
Comment: The p.E177A variant (also known as c.530A>C), located in coding exon 5 of the PDLIM3 gene, results from an A to C substitution at nucleotide position 530. The glutamic acid at codon 177 is replaced by alanine, an amino acid with dissimilar properties. This amino acid position is conserved. In addition, the in silico prediction for this alteration is inconclusive. Since supporting evidence is limited at this time, the clinical significance of this alteration remains unclear.

Labcorp Genetics (formerly Invitae), Labcorp
Classification: Uncertain significance for Hypertrophic cardiomyopathy; Primary dilated cardiomyopathy. Last evaluated: 2025-06-27. Review status: criteria provided, single submitter. Criteria: Invitae Variant Classification Sherloc (09022015). Collection method: clinical testing. Allele origin: germline.
Comment: This sequence change replaces glutamic acid, which is acidic and polar, with alanine, which is neutral and non-polar, at codon 177 of the PDLIM3 protein (p.Glu177Ala). This variant is present in population databases (rs138115202, gnomAD 0.01%). This variant has not been reported in the literature in individuals affected with PDLIM3-related conditions. ClinVar contains an entry for this variant (Variation ID: 405204). Invitae Evidence Modeling of protein sequence and biophysical properties (such as structural, functional, and spatial information, amino acid conservation, physicochemical variation, residue mobility, and thermodynamic stability) indicates that this missense variant is not expected to disrupt PDLIM3 protein function with a negative predictive value of 80%. In summary, the available evidence is currently insufficient to determine the role of this variant in disease. Therefore, it has been classified as a Variant of Uncertain Significance.